The following is an entry in ClinVar:

ClinVar aggregate classification (germline): Likely benign. Review status: criteria provided, multiple submitters, no conflicts (2 of 4 stars). 2 submissions from 2 submitters: Likely benign (2). Last evaluated 2025-12-20.

Conditions:
Dilated cardiomyopathy 1O (CMD1O). Also called: CARDIOMYOPATHY, DILATED, WITH VENTRICULAR TACHYCARDIA. Identifiers: Orphanet 154, MedGen C1837839, MONDO:0012062, OMIM 608569.

Allele frequency attached by ClinVar (database versions not stated): gnomAD exomes below 0.00001; TOPMed 0.00001.

Submissions (2):

Labcorp Genetics (formerly Invitae), Labcorp
Classification: Likely benign for Dilated cardiomyopathy 1O. Last evaluated: 2025-12-20. Review status: criteria provided, single submitter. Criteria: Invitae Variant Classification Sherloc (09022015). Collection method: clinical testing. Allele origin: germline.

GeneDx
Classification: Likely benign. Last evaluated: 2017-01-26. Review status: criteria provided, single submitter. Criteria: GeneDx Variant Classification (06012015). Collection method: clinical testing. Allele origin: germline. Affected: yes.
Comment: This variant is considered likely benign or benign based on one or more of the following criteria: it is a conservative change, it occurs at a poorly conserved position in the protein, it is predicted to be benign by multiple in silico algorithms, and/or has population frequency not consistent with disease.

NM_020297.4(ABCC9):c.4366C>T (p.Leu1456=)

Genes: ABCC9 (ATP binding cassette subfamily C member 9; minus strand), KCNJ8-AS1 (KCNJ8 antisense RNA 1; plus strand). Cytogenetic location: 12p12.1.
Variant type: single nucleotide variant.
Coding change: c.4366C>T on transcript NM_020297.4 (MANE Select); coding-DNA position 4366, C replaced by T.
Protein change: p.Leu1456=; no amino-acid change (leucine 1456 retained).
Molecular consequence: synonymous variant.
Genome position (GRCh38, 1-based): chr12:21,807,429, G>A on the plus strand (C>T on the coding strand, the complement: ABCC9 is on the minus strand). VCF-style: chr12-21807429-G-A. GRCh37 (hg19) VCF-style: chr12-21960363-G-A.
Other names: c.4366C>T, p.Leu1456= (NM_001377273.1, NM_005691.4); c.3499C>T, p.Leu1167= (NM_001377274.1).
Identifiers: ClinVar variation 506805 (VCV000506805.2), dbSNP rs1370019085, ClinGen allele CA478869590.